The following is an entry in ClinVar:

ClinVar aggregate classification (germline): Conflicting classifications of pathogenicity. Review status: criteria provided, conflicting classifications (1 of 4 stars). 9 submissions from 9 submitters: Uncertain significance (6); Benign (1). 2 of the submissions do not count toward it. Last evaluated 2025-12-30.

Conditions:
GJB2-related disorder. Also called: GJB2-related condition; GJB2-related disorders. Identifiers: MedGen CN382183, MONDO:1060236.
Autosomal recessive nonsyndromic hearing loss 1A (DFNB1A). Also called: GJB6-Related DFNB 1 Nonsyndromic Hearing Loss and Deafness; Deafness, autosomal recessive 1A; Connexin 26 deafness; Deafness nonsyndromic, Connexin 26 linked; GJB2-Related Autosomal Recessive Nonsyndromic Hearing Loss; Nonsyndromic Hearing Loss and Deafness, DFNB1. Identifiers: Orphanet 90636, MedGen C2673759, MONDO:0009076, OMIM 220290.

Allele frequency attached by ClinVar (database versions not stated): ExAC 0.00008; gnomAD exomes 0.00013; gnomAD 0.00014 and 0.00016; ESP Exome Variant Server 0.00015; TOPMed 0.00018; 1000 Genomes Project 30x 0.00031; 1000 Genomes Project 0.00040.

Submissions (9):

Women's Health and Genetics/Laboratory Corporation of America, LabCorp
Classification: Uncertain significance. Last evaluated: 2025-12-30. Review status: criteria provided, single submitter. Criteria: LabCorp Variant Classification Summary - May 2015. Collection method: clinical testing. Allele origin: germline.
Comment: Variant summary: GJB2 c.511G>A (p.Ala171Thr) results in a non-conservative amino acid change in the encoded protein sequence. Algorithms developed to predict the effect of missense changes on protein structure and function are either unavailable or do not agree on the potential impact of this missense change. The variant allele was found at a frequency of 0.00013 in 251052 control chromosomes. This frequency is not significantly higher than estimated for disease-causing variants in GJB2 (autosomal recessive nonsyndromic deafness), allowing no conclusion about variant significance. However, the frequency does exceed the maximum pathogenic allele frequency estimated for autosomal dominant nonsyndromic deafness, suggesting that this variant is unlikely to be causative for that phenotype. c.511G>A has been observed in the heterozygous state in numerous individual(s) affected with autosomal dominant or autosomal recessive Non-Syndromic Hearing Loss, without strong evidence for causality and/or unclear inheritance (example, Wu_2002, Kashef_2015, Davarnia_2012, Bonyadi_2014, Najmabadi_2002, Putcha_2007, Lipan_2011, Nishio_2015, Bazazzadegan_2012, Azaiez_2004, Lin_2001, Chen_2011, Bonyadi_2009, Xiao_2004) but was also observed in the compound heterozygous state in at least 1 individual with autosomal recessive nonsyndromic deafness (Carranza_2016, Carranza_2017). These data do not allow any conclusion about variant significance. To our knowledge, no experimental evidence demonstrating an impact on protein function has been reported. The following publications have been ascertained in the context of this evaluation (PMID: 26346709, 33914963, 25555641, 12172394, 22172221, 24529908, 11968091, 17666888, 15603707, 21287563, 25788563, 22695344, 15365987, 11438992, 21777984, 19715472, 26346709, 36048236, 34652575, 31523594, 30245029, 21868108, 18368581, 20739942, 31569309, 22991996, 31620696, 31834214, 21510145, 32090102, 40493033, 19043807, 28483220, 12172392, 25587757, 25388846, 29501291, 28102197, 27153395, 25447126, 25087612, 17357124, 34581455). ClinVar contains an entry for this variant (Variation ID: 44758). Based on the evidence outlined above, the variant was classified as uncertain significance.

PreventionGenetics, part of Exact Sciences
Classification: Uncertain significance for GJB2-related condition. Last evaluated: 2025-12-12. Review status: criteria provided, single submitter. Criteria: ACMG Guidelines, 2015. Collection method: clinical testing. Allele origin: germline.
Comment: The GJB2 c.511G>A variant is predicted to result in the amino acid substitution p.Ala171Thr. This variant has been reported in heterozygous state in at least four individuals with hearing impairment, ranging from unilateral deafness mild to profound sensorineural hearing loss (SNHL) (Lin et al. 2001. PubMed ID: 11438992; Wu et al. 2002. PubMed ID: 12172394; Xiao and Xie. 2004. PubMed ID: 15603707; Abbaspour Rodbaneh et al. 2021. PubMed ID: 34581455). It has also been reported in compound heterozygous state with pathogenic variant in an individual with autosomal recessive nonsyndromic hearing loss (Carranza et al. 2015. PubMed ID: 26346709). This variant is reported in 0.019% of alleles in individuals of European (Non-Finnish) descent in gnomAD. At this time, the clinical significance of this variant is uncertain due to the absence of conclusive functional and genetic evidence.

Athena Diagnostics
Classification: Uncertain significance. Last evaluated: 2025-07-23. Review status: criteria provided, single submitter. Criteria: Athena Diagnostics Criteria. Collection method: clinical testing. Allele origin: unknown.
Comment: Available data are insufficient to determine the clinical significance of the variant at this time. The frequency of this variant in the general population is uninformative in assessment of its pathogenicity. (Genome Aggregation Database (gnomAD), Cambridge, MA (URL)) This variant has been identified in at least one individual with clinical features associated with non-syndromic hearing loss. Polyphen and MutationTaster predict this amino acid change may be benign.

Labcorp Genetics (formerly Invitae), Labcorp
Classification: Uncertain significance. Last evaluated: 2024-06-26. Review status: criteria provided, single submitter. Criteria: Invitae Variant Classification Sherloc (09022015). Collection method: clinical testing. Allele origin: germline.
Comment: This sequence change replaces alanine, which is neutral and non-polar, with threonine, which is neutral and polar, at codon 171 of the GJB2 protein (p.Ala171Thr). This variant is present in population databases (rs201004645, gnomAD 0.02%). This missense change has been observed in individual(s) with GJB2-related conditions (PMID: 11438992, 15603707, 26346709, 34581455). ClinVar contains an entry for this variant (Variation ID: 44758). Advanced modeling of protein sequence and biophysical properties (such as structural, functional, and spatial information, amino acid conservation, physicochemical variation, residue mobility, and thermodynamic stability) has been performed at Invitae for this missense variant, however the output from this modeling did not meet the statistical confidence thresholds required to predict the impact of this variant on GJB2 protein function. In summary, the available evidence is currently insufficient to determine the role of this variant in disease. Therefore, it has been classified as a Variant of Uncertain Significance.

Mendelics
Classification: Benign for Autosomal recessive nonsyndromic hearing loss 1A. Last evaluated: 2019-05-28. Review status: criteria provided, single submitter. Criteria: Mendelics Assertion Criteria 2017. Collection method: clinical testing. Allele origin: unknown.

Genomic Diagnostic Laboratory, Division of Genomic Diagnostics, Children's Hospital of Philadelphia
Classification: Uncertain significance for Deafness, autosomal recessive 1A. Last evaluated: 2017-05-09. Review status: criteria provided, single submitter. Criteria: DGD Variant Analysis Guidelines. Collection method: clinical testing. Allele origin: germline. Affected: yes. Observed: 1 variant allele.

Laboratory for Molecular Medicine, Mass General Brigham Personalized Medicine
Classification: Uncertain significance. Last evaluated: 2016-06-23. Review status: criteria provided, single submitter. Criteria: LMM Criteria. Collection method: clinical testing. Allele origin: germline. Observed: 2 variant alleles.
Comment: Variant classified as Uncertain Significance - Favor Benign. The p.Ala171Thr var iant in GJB2 has been previously reported in nine individuals with sensorineural hearing loss (Lin 2001, Najmabadi 2002, Wu 2002, Xiao 2004, Azaiez 2004, Putcha 2007, Samanich 2007, Han 2008, Bonyadi 2009, Bonyadi 2014, LMM data). However, a variant affecting the remaining copy of GJB2 was not identified in any of them . In addition, two individuals had cochlear malformations inconsistent with GJB 2-related hearing loss (Lin 2001, Wu 2002). One publication suggested that p.Ala 171Thr could be inherited in a dominant pattern (Xiao 2004); however, this is in consistent with findings from other studies. This variant has been identified i n two individuals with normal hearing (Samanich 2007, Han 2008) and has been ide ntified in 8/66556 European chromosomes by the Exome Aggregation Consortium (ExA C; dbSNP rs201004645). Computational prediction tools and conservation analysis suggest that the p.Ala171Thr variant may not imp act the protein, though this information is not predictive enough to rule out pa thogenicity. In summary, while the clinical significance of the p.Ala171Thr vari ant is uncertain, these data suggest that it is more likely to be benign.

Natera, Inc.
Classification: Uncertain significance for Autosomal recessive deafness type 1A. Last evaluated: 2020-09-16. Review status: no assertion criteria provided. Collection method: clinical testing. Allele origin: germline. Not counted in ClinVar's aggregate classification.

Counsyl
Classification: Uncertain significance for Autosomal recessive nonsyndromic hearing loss 1A. Last evaluated: 2017-11-14. Review status: no assertion criteria provided. Collection method: clinical testing. Allele origin: unknown. Not counted in ClinVar's aggregate classification.

Literature cited by the submitters: PubMed 15365987 (cited by 4 submitters); PubMed 11968091 (cited by Women's Health and Genetics/Laboratory Corporation of America, LabCorp and Laboratory for Molecular Medicine, Mass General Brigham Personalized Medicine); PubMed 12172394 (cited by 4 submitters); PubMed 12172392 (cited by Women's Health and Genetics/Laboratory Corporation of America, LabCorp); PubMed 17666888 (cited by 4 submitters); PubMed 21868108 (cited by Women's Health and Genetics/Laboratory Corporation of America, LabCorp); PubMed 21287563 (cited by 3 submitters); PubMed 22991996 (cited by Women's Health and Genetics/Laboratory Corporation of America, LabCorp); PubMed 22695344 (cited by Women's Health and Genetics/Laboratory Corporation of America, LabCorp and Athena Diagnostics); PubMed 19043807 (cited by 3 submitters); PubMed 17357124 (cited by 4 submitters); PubMed 19715472 (cited by 3 submitters); PubMed 24529908 (cited by 3 submitters); PubMed 25087612 (cited by Women's Health and Genetics/Laboratory Corporation of America, LabCorp and Athena Diagnostics); PubMed 25388846 (cited by Women's Health and Genetics/Laboratory Corporation of America, LabCorp); PubMed 25788563 (cited by Women's Health and Genetics/Laboratory Corporation of America, LabCorp); PubMed 26346709 (cited by 4 submitters); PubMed 27153395 (cited by Women's Health and Genetics/Laboratory Corporation of America, LabCorp); PubMed 30245029 (cited by Women's Health and Genetics/Laboratory Corporation of America, LabCorp); PubMed 31569309 (cited by Women's Health and Genetics/Laboratory Corporation of America, LabCorp); PubMed 31620696 (cited by Women's Health and Genetics/Laboratory Corporation of America, LabCorp and Athena Diagnostics); PubMed 32090102 (cited by Women's Health and Genetics/Laboratory Corporation of America, LabCorp); PubMed 25555641 (cited by Women's Health and Genetics/Laboratory Corporation of America, LabCorp and Counsyl); PubMed 28483220 (cited by Women's Health and Genetics/Laboratory Corporation of America, LabCorp); PubMed 18368581 (cited by Women's Health and Genetics/Laboratory Corporation of America, LabCorp); PubMed 33914963 (cited by Women's Health and Genetics/Laboratory Corporation of America, LabCorp); PubMed 36048236 (cited by Women's Health and Genetics/Laboratory Corporation of America, LabCorp); PubMed 21777984 (cited by 3 submitters); PubMed 34652575 (cited by Women's Health and Genetics/Laboratory Corporation of America, LabCorp); PubMed 25587757 (cited by 3 submitters); PubMed 25447126 (cited by Women's Health and Genetics/Laboratory Corporation of America, LabCorp); PubMed 34581455 (cited by Women's Health and Genetics/Laboratory Corporation of America, LabCorp and Labcorp Genetics (formerly Invitae), Labcorp); PubMed 20739942 (cited by Women's Health and Genetics/Laboratory Corporation of America, LabCorp); PubMed 28102197 (cited by Women's Health and Genetics/Laboratory Corporation of America, LabCorp); PubMed 29501291 (cited by Women's Health and Genetics/Laboratory Corporation of America, LabCorp and Athena Diagnostics); PubMed 31523594 (cited by Women's Health and Genetics/Laboratory Corporation of America, LabCorp); PubMed 31834214 (cited by Women's Health and Genetics/Laboratory Corporation of America, LabCorp); PubMed 21510145 (cited by Women's Health and Genetics/Laboratory Corporation of America, LabCorp); PubMed 40493033 (cited by Women's Health and Genetics/Laboratory Corporation of America, LabCorp); PubMed 22172221 (cited by Women's Health and Genetics/Laboratory Corporation of America, LabCorp and Athena Diagnostics); PubMed 11438992 (cited by 5 submitters); PubMed 15603707 (cited by 5 submitters); PubMed 36788145 (cited by Athena Diagnostics).

NM_004004.6(GJB2):c.511G>A (p.Ala171Thr)

Gene: GJB2 (gap junction protein beta 2; minus strand). Cytogenetic location: 13q12.11.
Variant type: single nucleotide variant.
Coding change: c.511G>A on transcript NM_004004.6 (MANE Select); coding-DNA position 511, G replaced by A.
Protein change: p.Ala171Thr; replaces alanine 171 with threonine.
Molecular consequence: missense variant.
Genome position (GRCh38, 1-based): chr13:20,189,071, C>T on the plus strand (G>A on the coding strand, the complement: GJB2 is on the minus strand). VCF-style: chr13-20189071-C-T. GRCh37 (hg19) VCF-style: chr13-20763210-C-T.
Other names: short protein forms A171T.
Identifiers: ClinVar variation 44758 (VCV000044758.17), dbSNP rs201004645, ClinGen allele CA134985.
Genomic context (GRCh38, chr13:20,189,071, plus strand): 5'-AGACAGTCTTCTCCGTGGGCCGGGACACAAAGCAGTCCACAGTGTTGGGACAAGGCCAGG[C>T]GTTGCACTTCACCAGCCGCTGCATGGAGAAGCCGTCGTACATGACATAGAAGACGTACAT-3'
Protein context (NP_003995.2, residues 161-181): FSMQRLVKCN[Ala171Thr]WPCPNTVDCF